The following is an entry in ClinVar:

ClinVar aggregate classification (germline): Conflicting classifications of pathogenicity. Review status: criteria provided, conflicting classifications (1 of 4 stars). 6 submissions from 6 submitters: Uncertain significance (4); Likely benign (2). Last evaluated 2025-12-11.

Conditions:
DMXL2-related disorder. Also called: DMXL2-related condition.
Inborn genetic diseases. Identifiers: MedGen C0950123, MeSH D030342.

Allele frequency attached by ClinVar (database versions not stated): 1000 Genomes Project 30x 0.00016; 1000 Genomes Project 0.00020; ESP Exome Variant Server 0.00054.
gnomAD v4.1: 581 of 1,614,058 alleles (0.036%); highest among the groups gnomAD compares: Middle Eastern, 0.54%; no homozygotes.

Submissions (6):

PreventionGenetics, part of Exact Sciences
Classification: Uncertain significance for DMXL2-related condition. Last evaluated: 2025-12-11. Review status: criteria provided, single submitter. Criteria: ACMG Guidelines, 2015. Collection method: clinical testing. Allele origin: germline.
Comment: The DMXL2 c.1787C>G variant is predicted to result in the amino acid substitution p.Ser596Cys. To our knowledge, this variant has not been reported in the literature. This variant is reported in 0.051% of alleles in individuals of Latino descent in gnomAD. Although we suspect that this variant may be benign, at this time, the clinical significance of this variant is uncertain due to the absence of conclusive functional and genetic evidence.

Blueprint Genetics
Classification: Likely benign. Last evaluated: 2024-11-19. Review status: criteria provided, single submitter. Criteria: ACMG Guidelines, 2015. Collection method: clinical testing. Allele origin: germline.

CeGaT Center for Human Genetics Tuebingen
Classification: Likely benign. Last evaluated: 2024-03-01. Review status: criteria provided, single submitter. Criteria: CeGaT Center For Human Genetics Tuebingen Variant Classification Criteria Version 2. Collection method: clinical testing. Allele origin: germline. Affected: yes. Observed: 2 variant alleles.
Comment: DMXL2: BP4

Labcorp Genetics (formerly Invitae), Labcorp
Classification: Uncertain significance. Last evaluated: 2022-11-01. Review status: criteria provided, single submitter. Criteria: Invitae Variant Classification Sherloc (09022015). Collection method: clinical testing. Allele origin: germline.
Comment: This sequence change replaces serine, which is neutral and polar, with cysteine, which is neutral and slightly polar, at codon 596 of the DMXL2 protein (p.Ser596Cys). This variant is present in population databases (rs143850714, gnomAD 0.06%). This variant has not been reported in the literature in individuals affected with DMXL2-related conditions. ClinVar contains an entry for this variant (Variation ID: 1431632). Algorithms developed to predict the effect of missense changes on protein structure and function (SIFT, PolyPhen-2, Align-GVGD) all suggest that this variant is likely to be tolerated. In summary, the available evidence is currently insufficient to determine the role of this variant in disease. Therefore, it has been classified as a Variant of Uncertain Significance.

Ambry Genetics
Classification: Uncertain significance for Inborn genetic diseases. Last evaluated: 2022-07-19. Review status: criteria provided, single submitter. Criteria: Ambry Variant Classification Scheme 2023. Collection method: clinical testing. Allele origin: germline.

Breakthrough Genomics
Classification: Uncertain significance. Review status: criteria provided, single submitter. Criteria: ACMG Guidelines, 2015. Collection method: not provided. Allele origin: germline. Inheritance: Autosomal recessive inheritance. Affected: yes.

NM_001378457.1(DMXL2):c.1787C>G (p.Ser596Cys)

Gene: DMXL2 (Dmx like 2; minus strand). Cytogenetic location: 15q21.2.
Variant type: single nucleotide variant.
Coding change: c.1787C>G on transcript NM_001378457.1 (MANE Select); coding-DNA position 1787, C replaced by G.
Protein change: p.Ser596Cys; replaces serine 596 with cysteine.
Molecular consequence: missense variant. On other transcripts: non-coding transcript variant (2).
Genome position (GRCh38, 1-based): chr15:51,536,693, G>C on the plus strand (C>G on the coding strand, the complement: DMXL2 is on the minus strand). VCF-style: chr15-51536693-G-C. GRCh37 (hg19) VCF-style: chr15-51828890-G-C.
Other names: c.1787C>G, p.Ser596Cys (NM_001174116.3, NM_001174117.3, NM_001378458.1 and 6 more transcripts); c.1547C>G, p.Ser516Cys (NM_001378464.1); c.1787C>G (NM_001174116.1); short protein forms S516C, S596C.
Identifiers: ClinVar variation 1431632 (VCV001431632.30), dbSNP rs143850714, ClinGen allele CA7562507.